The following is an entry in ClinVar:

NM_177438.3(DICER1):c.4264GAG[3] (p.Glu1425del)

Gene: DICER1 (dicer 1, ribonuclease III; minus strand). Cytogenetic location: 14q32.13.
Variant type: Microsatellite.
Coding change: c.4264GAG[3] on transcript NM_177438.3 (MANE Select); three copies in a row of the 3-base unit GAG starting at c.4264; the reference has four copies in a row; one copy, 3 bases deleted; also written c.4273_4275del.
Protein change: p.Glu1425del; deletes glutamic acid 1425.
Molecular consequence: inframe deletion.
Genome position (GRCh38, 1-based): chr14:95,096,645-95,096,647, CTC deleted on the plus strand (GAG on the coding strand, the reverse complement: DICER1 is on the minus strand); deleting any 3 consecutive bases within chr14:95,096,645-95,096,656 gives the same sequence; the position shown is the placement nearest the transcript's 3' end. VCF-style (leftmost placement, unchanged base first): chr14-95096644-TCTC-T. GRCh37 (hg19) VCF-style: chr14-95562981-TCTC-T.
Other names: c.4273_4275delGAG (NM_177438.2); c.4264GAG[3], p.Glu1425del (NM_001195573.1, NM_001271282.3, NM_001291628.2 and 1 more transcripts); c.4273_4275del (NM_177438.2); short protein forms E1425del.
Identifiers: ClinVar variation 656994 (VCV000656994.14), dbSNP rs751284020, ClinGen allele CA7330864.

ClinVar aggregate classification (germline): Uncertain significance. Review status: criteria provided, multiple submitters, no conflicts (2 of 4 stars). 3 submissions from 3 submitters: Uncertain significance (3). Last evaluated 2025-06-08.

Conditions:
DICER1-related tumor predisposition. Also called: DICER1 syndrome; DICER1-related pleuropulmonary blastoma cancer predisposition syndrome. Identifiers: Orphanet 284343, MedGen C3839822, MONDO:0100216.
Hereditary cancer-predisposing syndrome. Also called: Neoplastic Syndromes, Hereditary; Hereditary neoplastic syndrome; Hereditary Cancer Syndrome; Tumor predisposition. Identifiers: Orphanet 140162, MedGen C0027672, MeSH D009386, MONDO:0015356.

Submissions (3):

Labcorp Genetics (formerly Invitae), Labcorp
Classification: Uncertain significance for DICER1-related tumor predisposition. Last evaluated: 2025-06-08. Review status: criteria provided, single submitter. Criteria: Invitae Variant Classification Sherloc (09022015). Collection method: clinical testing. Allele origin: germline.
Comment: This variant, c.4273_4275del, results in the deletion of 1 amino acid(s) of the DICER1 protein (p.Glu1425del), but otherwise preserves the integrity of the reading frame. The frequency data for this variant in the population databases is considered unreliable, as metrics indicate poor data quality at this position in the gnomAD database. This variant has not been reported in the literature in individuals affected with DICER1-related conditions. ClinVar contains an entry for this variant (Variation ID: 656994). Experimental studies and prediction algorithms are not available or were not evaluated, and the functional significance of this variant is currently unknown. In summary, the available evidence is currently insufficient to determine the role of this variant in disease. Therefore, it has been classified as a Variant of Uncertain Significance.

Ambry Genetics
Classification: Uncertain significance for Hereditary cancer-predisposing syndrome. Last evaluated: 2025-03-14. Review status: criteria provided, single submitter. Criteria: Ambry Variant Classification Scheme 2023. Collection method: clinical testing. Allele origin: germline.
Comment: The c.4273_4275delGAG variant (also known as p.E1425del) is located in coding exon 22 of the DICER1 gene. This variant results from an in-frame GAG deletion at nucleotide positions 4273 to 4275. This results in the in-frame deletion of a glutamic acid at codon 1425. This amino acid position is not well conserved in available vertebrate species. In addition, this alteration is predicted to be neutral by in silico analysis (Choi Y et al. PLoS ONE. 2012; 7(10):e46688). Since supporting evidence is limited at this time, the clinical significance of this alteration remains unclear.

Quest Diagnostics Nichols Institute San Juan Capistrano
Classification: Uncertain significance. Last evaluated: 2024-09-02. Review status: criteria provided, single submitter. Criteria: Quest Diagnostics criteria. Collection method: clinical testing. Allele origin: unknown.
Comment: The DICER1 c.4273_4275del (p.Glu1425del) variant has not been reported in individuals with DICER1-related conditions in the published literature. The frequency of this variant in the general population, 0.000027 (3/110272 chromosomes (Genome Aggregation Database)), is uninformative in the assessment of its pathogenicity. Based on the available information, we are unable to determine the clinical significance of this variant.